The following is an entry in ClinVar:

ClinVar aggregate classification (germline): Uncertain significance (1 of 4 stars; one submission).

gnomAD v4.1: 1 of 1,536,180 alleles (0.000065%); highest among the groups gnomAD compares: Non-Finnish European, 0.000087%; no homozygotes.

Submission:

CeGaT Center for Human Genetics Tuebingen
Classification: Uncertain significance. Last evaluated: 2025-12-01. Review status: criteria provided, single submitter. Criteria: CeGaT Center For Human Genetics Tuebingen Variant Classification Criteria Version 2. Collection method: clinical testing. Allele origin: germline. Affected: yes. Observed: 1 variant allele.
Comment: ZFHX2: PM2, PP3

NM_033400.3(ZFHX2):c.5699T>G (p.Val1900Gly)

Genes: THTPA (thiamine triphosphatase; plus strand), ZFHX2 (zinc finger homeobox 2; minus strand). Cytogenetic location: 14q11.2.
Variant type: single nucleotide variant.
Coding change: c.5699T>G on transcript NM_033400.3 (MANE Select); coding-DNA position 5699, T replaced by G.
Protein change: p.Val1900Gly; replaces valine 1900 with glycine.
Molecular consequence: missense variant.
Genome position (GRCh38, 1-based): chr14:23,524,243, A>C on the plus strand (T>G on the coding strand, the complement: ZFHX2 is on the minus strand). VCF-style: chr14-23524243-A-C. GRCh37 (hg19) VCF-style: chr14-23993452-A-C.
Other names: short protein forms V1900G.
Identifiers: ClinVar variation 4681820 (VCV004681820.5).